The following is an entry in ClinVar:

ClinVar aggregate classification (germline): Uncertain significance (1 of 4 stars; one submission).

Conditions:
Hereditary cancer-predisposing syndrome. Also called: Tumor predisposition; Neoplastic Syndromes, Hereditary; Hereditary neoplastic syndrome; Hereditary Cancer Syndrome. Identifiers: Orphanet 140162, MedGen C0027672, MeSH D009386, MONDO:0015356.

Submission:

Ambry Genetics
Classification: Uncertain significance for Hereditary cancer-predisposing syndrome. Last evaluated: 2025-08-27. Review status: criteria provided, single submitter. Criteria: Ambry Variant Classification Scheme 2023. Collection method: clinical testing. Allele origin: germline.
Comment: The p.Q338E variant (also known as c.1012C>G), located in coding exon 12 of the MUTYH gene, results from a C to G substitution at nucleotide position 1012. The glutamine at codon 338 is replaced by glutamic acid, an amino acid with highly similar properties. This amino acid position is conserved. In addition, this alteration is predicted to be tolerated by in silico analysis. Based on the available evidence, the clinical significance of this variant remains unclear.

NM_001048174.2(MUTYH):c.928C>G (p.Gln310Glu)

Gene: MUTYH (mutY DNA glycosylase; minus strand). Cytogenetic location: 1p34.1.
Variant type: single nucleotide variant.
Coding change: c.928C>G on transcript NM_001048174.2 (MANE Select); coding-DNA position 928, C replaced by G.
Protein change: p.Gln310Glu; replaces glutamine 310 with glutamic acid.
Molecular consequence: missense variant. On other transcripts: non-coding transcript variant (7).
Genome position (GRCh38, 1-based): chr1:45,331,835, G>C on the plus strand (C>G on the coding strand, the complement: MUTYH is on the minus strand). VCF-style: chr1-45331835-G-C. GRCh37 (hg19) VCF-style: chr1-45797507-G-C.
Other names: c.928C>G, p.Gln310Glu (NM_001048171.2, NM_001048173.2, NM_001293195.2 and 6 more transcripts); c.931C>G, p.Gln311Glu (NM_001048172.2, NM_001407071.1, NM_001407078.1 and 1 more transcripts); c.1012C>G, p.Gln338Glu (NM_001128425.2); c.973C>G, p.Gln325Glu (NM_001293190.2); c.961C>G, p.Gln321Glu (NM_001293191.2, NM_001407069.1, NM_001407077.1); c.652C>G, p.Gln218Glu (NM_001293192.2, NM_001293196.2, NM_001407091.1); c.583C>G, p.Gln195Glu (NM_001350650.2, NM_001350651.2, NM_001407082.1); c.844C>G, p.Gln282Glu (NM_001407075.1); and 5 more; short protein forms Q195E, Q282E, Q310E, Q321E, Q317E, Q218E, Q338E, Q296E.
Identifiers: ClinVar variation 4112922 (VCV004112922.1).